The following is an entry in ClinVar:

ClinVar aggregate classification (germline): Uncertain significance (1 of 4 stars; one submission).

Submission:

GeneDx
Classification: Uncertain significance. Last evaluated: 2024-09-16. Review status: criteria provided, single submitter. Criteria: GeneDx Variant Classification Process June 2021. Collection method: clinical testing. Allele origin: germline. Affected: yes.
Comment: In silico analysis supports that this missense variant has a deleterious effect on protein structure/function; Has not been previously published as pathogenic or benign to our knowledge; Variants in candidate genes are classified as variants of uncertain significance in accordance with ACMG guidelines (PMID: 25741868)

NM_005260.7(GDF9):c.952C>T (p.Arg318Cys)

Gene: GDF9 (growth differentiation factor 9; minus strand). Cytogenetic location: 5q31.1.
Variant type: single nucleotide variant.
Coding change: c.952C>T on transcript NM_005260.7 (MANE Select); coding-DNA position 952, C replaced by T.
Protein change: p.Arg318Cys; replaces arginine 318 with cysteine.
Molecular consequence: missense variant.
Genome position (GRCh38, 1-based): chr5:132,862,002, G>A on the plus strand (C>T on the coding strand, the complement: GDF9 is on the minus strand). VCF-style: chr5-132862002-G-A. GRCh37 (hg19) VCF-style: chr5-132197694-G-A.
Other names: c.688C>T, p.Arg230Cys (NM_001288824.4, NM_001288825.4, NM_001288826.3 and 2 more transcripts); short protein forms R230C, R318C.
Identifiers: ClinVar variation 3898880 (VCV003898880.1).